The following is an entry in ClinVar:

ClinVar aggregate classification (germline): Likely pathogenic. Review status: criteria provided, single submitter (1 of 4 stars). 2 submissions from 2 submitters: Likely pathogenic (1). 1 of the submissions does not count toward it. Last evaluated 2022-07-26.

Conditions:
Nemaline myopathy 2 (NEM2). Also called: Nemaline myopathy 2, autosomal recessive. Identifiers: MedGen C1850569, MONDO:0009725, OMIM 256030.

Allele frequency attached by ClinVar (database versions not stated): gnomAD exomes below 0.00001.
gnomAD v4.1: 1 of 1,524,958 alleles (0.000066%); highest among the groups gnomAD compares: Non-Finnish European, 0.00009%; no homozygotes.

Submissions (2):

Labcorp Genetics (formerly Invitae), Labcorp
Classification: Likely pathogenic for Nemaline myopathy 2. Last evaluated: 2022-07-26. Review status: criteria provided, single submitter. Criteria: Invitae Variant Classification Sherloc (09022015). Collection method: clinical testing. Allele origin: germline.
Comment: In summary, the currently available evidence indicates that the variant is pathogenic, but additional data are needed to prove that conclusively. Therefore, this variant has been classified as Likely Pathogenic. Algorithms developed to predict the effect of sequence changes on RNA splicing suggest that this variant may disrupt the consensus splice site. ClinVar contains an entry for this variant (Variation ID: 558560). This variant has not been reported in the literature in individuals affected with NEB-related conditions. This variant is not present in population databases (gnomAD no frequency). This sequence change affects a donor splice site in intron 117 of the NEB gene. It is expected to disrupt RNA splicing. Variants that disrupt the donor or acceptor splice site typically lead to a loss of protein function (PMID: 16199547), and loss-of-function variants in NEB are known to be pathogenic (PMID: 25205138).

Counsyl
Classification: Likely pathogenic for Nemaline myopathy 2. Last evaluated: 2018-05-30. Review status: no assertion criteria provided. Collection method: clinical testing. Allele origin: unknown. Not counted in ClinVar's aggregate classification.

Literature cited by the submitters: PubMed 16199547 (cited by Labcorp Genetics (formerly Invitae), Labcorp); PubMed 25205138 (cited by Labcorp Genetics (formerly Invitae), Labcorp).

NM_001164508.2(NEB):c.18471+1G>C

Gene: NEB (nebulin; minus strand). Cytogenetic location: 2q23.3.
Variant type: single nucleotide variant.
Coding change: c.18471+1G>C on transcript NM_001164508.2 (MANE Select); the canonical splice donor site of the intron after coding-DNA position 18471, G replaced by C.
Molecular consequence: splice donor variant.
Genome position (GRCh38, 1-based): chr2:151,565,043, C>G on the plus strand (G>C on the coding strand, the complement: NEB is on the minus strand). VCF-style: chr2-151565043-C-G. GRCh37 (hg19) VCF-style: chr2-152421557-C-G.
Other names: c.13368+1G>C (NM_004543.5); c.18471+1G>C (NM_001164507.2, NM_001271208.2).
Identifiers: ClinVar variation 558560 (VCV000558560.8), dbSNP rs1553769576, ClinGen allele CA348800519.